The following is an entry in ClinVar:

ClinVar aggregate classification (germline): Pathogenic. Review status: criteria provided, single submitter (1 of 4 stars). 2 submissions from 2 submitters: Pathogenic (1). 1 of the submissions does not count toward it. Last evaluated 2023-10-03.

Conditions:
Alternating hemiplegia of childhood 2 (AHC2). Also called: Alternating Hemiplegia of Childhood (AHC). Identifiers: Orphanet 2131, MedGen C3553788, MONDO:0013900, OMIM 614820.
Dystonia 12 (DYT12). Also called: Rapid-Onset Dystonia-Parkinsonism (RDP); DYT-ATP1A3. Identifiers: Orphanet 71517, MedGen C1868681, MONDO:0007496, OMIM 128235.

Submissions (2):

Labcorp Genetics (formerly Invitae), Labcorp
Classification: Pathogenic for Dystonia 12. Last evaluated: 2023-10-03. Review status: criteria provided, single submitter. Criteria: Invitae Variant Classification Sherloc (09022015). Collection method: clinical testing. Allele origin: germline.
Comment: This sequence change replaces serine, which is neutral and polar, with proline, which is neutral and non-polar, at codon 811 of the ATP1A3 protein (p.Ser811Pro). This variant is not present in population databases (gnomAD no frequency). This missense change has been observed in individual(s) with alternating hemiplegia of childhood (PMID: 22842232, 26297560, 26410222). In at least one individual the variant was observed to be de novo. ClinVar contains an entry for this variant (Variation ID: 37109). Advanced modeling of protein sequence and biophysical properties (such as structural, functional, and spatial information, amino acid conservation, physicochemical variation, residue mobility, and thermodynamic stability) performed at Invitae indicates that this missense variant is expected to disrupt ATP1A3 protein function. Experimental studies have shown that this missense change affects ATP1A3 function (PMID: 22842232). For these reasons, this variant has been classified as Pathogenic.

OMIM
Classification: Pathogenic for ALTERNATING HEMIPLEGIA OF CHILDHOOD 2. Last evaluated: 2012-09-01. Review status: no assertion criteria provided. Collection method: literature only. Allele origin: germline. Not counted in ClinVar's aggregate classification.

Literature cited by the submitters: PubMed 22842232 (cited by Labcorp Genetics (formerly Invitae), Labcorp and OMIM); PubMed 26297560 (cited by Labcorp Genetics (formerly Invitae), Labcorp); PubMed 26410222 (cited by Labcorp Genetics (formerly Invitae), Labcorp).

NM_152296.5(ATP1A3):c.2431T>C (p.Ser811Pro)

Gene: ATP1A3 (ATPase Na+/K+ transporting subunit alpha 3; minus strand). Cytogenetic location: 19q13.2.
Variant type: single nucleotide variant.
Coding change: c.2431T>C on transcript NM_152296.5 (MANE Select); coding-DNA position 2431, T replaced by C.
Protein change: p.Ser811Pro; replaces serine 811 with proline.
Molecular consequence: missense variant.
Genome position (GRCh38, 1-based): chr19:41,970,296, A>G on the plus strand (T>C on the coding strand, the complement: ATP1A3 is on the minus strand). VCF-style: chr19-41970296-A-G. GRCh37 (hg19) VCF-style: chr19-42474448-A-G.
Other names: c.2464T>C, p.Ser822Pro (NM_001256213.2); c.2470T>C, p.Ser824Pro (NM_001256214.2); short protein forms S811P, S824P, S822P.
Identifiers: ClinVar variation 37109 (VCV000037109.12), dbSNP rs387907282, ClinGen allele CA342904.